The following is an entry in ClinVar:

ClinVar aggregate classification (germline): Conflicting classifications of pathogenicity. Review status: criteria provided, conflicting classifications (1 of 4 stars). 2 submissions from 2 submitters: Uncertain significance (1); Likely benign (1). Last evaluated 2026-05-15.

Conditions:
Cardiovascular phenotype. Identifiers: MedGen CN230736.
Dilated cardiomyopathy 1JJ (CMD1JJ). Identifiers: Orphanet 154, MedGen C3808935, MONDO:0014095, OMIM 615235.

Submissions (2):

Ambry Genetics
Classification: Likely benign for Cardiovascular phenotype. Last evaluated: 2026-05-15. Review status: criteria provided, single submitter. Criteria: Ambry Variant Classification Scheme 2023. Collection method: clinical testing. Allele origin: germline.

Labcorp Genetics (formerly Invitae), Labcorp
Classification: Uncertain significance for Dilated cardiomyopathy 1JJ. Last evaluated: 2021-10-06. Review status: criteria provided, single submitter. Criteria: Invitae Variant Classification Sherloc (09022015). Collection method: clinical testing. Allele origin: germline.
Comment: In summary, the available evidence is currently insufficient to determine the role of this variant in disease. Therefore, it has been classified as a Variant of Uncertain Significance. Algorithms developed to predict the effect of missense changes on protein structure and function (SIFT, PolyPhen-2, Align-GVGD) all suggest that this variant is likely to be tolerated. This variant has not been reported in the literature in individuals affected with LAMA4-related conditions. This variant is not present in population databases (ExAC no frequency). This sequence change replaces glutamic acid with lysine at codon 306 of the LAMA4 protein (p.Glu306Lys). The glutamic acid residue is weakly conserved and there is a small physicochemical difference between glutamic acid and lysine.

NM_001105206.3(LAMA4):c.937G>A (p.Glu313Lys)

Gene: LAMA4 (laminin subunit alpha 4; minus strand). Cytogenetic location: 6q21.
Variant type: single nucleotide variant.
Coding change: c.937G>A on transcript NM_001105206.3 (MANE Select); coding-DNA position 937, G replaced by A.
Protein change: p.Glu313Lys; replaces glutamic acid 313 with lysine.
Molecular consequence: missense variant.
Genome position (GRCh38, 1-based): chr6:112,187,479, C>T on the plus strand (G>A on the coding strand, the complement: LAMA4 is on the minus strand). VCF-style: chr6-112187479-C-T. GRCh37 (hg19) VCF-style: chr6-112508681-C-T.
Other names: c.916G>A, p.Glu306Lys (NM_001105207.3, NM_002290.5); c.916G>A (NM_002290.3); short protein forms E313K, E306K.
Identifiers: ClinVar variation 1511761 (VCV001511761.7), dbSNP rs2114940385, ClinGen allele CA365375944.